The following is an entry in ClinVar:

ClinVar aggregate classification (germline): Uncertain significance (1 of 4 stars; one submission).

Conditions:
Hereditary breast ovarian cancer syndrome. Also called: Hereditary breast and ovarian cancer syndrome; Hereditary breast and/or ovarian cancer syndrome; BRCA1- and BRCA2-Associated Hereditary Breast and Ovarian Cancer; Hereditary breast and ovarian cancer syndrome (HBOC); Hereditary breast and ovarian cancer; Breast and ovarian cancer. Identifiers: Orphanet 145, MedGen C0677776, MeSH D061325, MONDO:0003582. Disease mechanism: loss of function.

Submission:

Labcorp Genetics (formerly Invitae), Labcorp
Classification: Uncertain significance for Hereditary breast ovarian cancer syndrome. Last evaluated: 2023-05-19. Review status: criteria provided, single submitter. Criteria: Invitae Variant Classification Sherloc (09022015). Collection method: clinical testing. Allele origin: germline.
Comment: In summary, the available evidence is currently insufficient to determine the role of this variant in disease. Therefore, it has been classified as a Variant of Uncertain Significance. Advanced modeling of protein sequence and biophysical properties (such as structural, functional, and spatial information, amino acid conservation, physicochemical variation, residue mobility, and thermodynamic stability) performed at Invitae indicates that this missense variant is not expected to disrupt BRCA1 protein function. This variant has not been reported in the literature in individuals affected with BRCA1-related conditions. This variant is not present in population databases (gnomAD no frequency). This sequence change replaces phenylalanine, which is neutral and non-polar, with leucine, which is neutral and non-polar, at codon 580 of the BRCA1 protein (p.Phe580Leu).

NM_007294.4(BRCA1):c.1740C>G (p.Phe580Leu)

Gene: BRCA1 (BRCA1 DNA repair associated; minus strand). Cytogenetic location: 17q21.31.
Variant type: single nucleotide variant.
Coding change: c.1740C>G on transcript NM_007294.4 (MANE Select); coding-DNA position 1740, C replaced by G.
Protein change: p.Phe580Leu; replaces phenylalanine 580 with leucine.
Molecular consequence: missense variant. On other transcripts: intron variant (137).
Genome position (GRCh38, 1-based): chr17:43,093,791, G>C on the plus strand (C>G on the coding strand, the complement: BRCA1 is on the minus strand). VCF-style: chr17-43093791-G-C. GRCh37 (hg19) VCF-style: chr17-41245808-G-C.
Other names: c.1740C>G, p.Phe580Leu (NM_001407585.1, NM_001407593.1, NM_001407594.1 and 30 more transcripts); c.1737C>G, p.Phe579Leu (NM_001407587.1, NM_001407590.1, NM_001407591.1 and 22 more transcripts); c.1527C>G, p.Phe509Leu (NM_001407571.1, NM_001407853.1, NM_001407894.1 and 9 more transcripts); c.1731C>G, p.Phe577Leu (NM_001407646.1, NM_001407647.1); c.1617C>G, p.Phe539Leu (NM_001407648.1, NM_001407664.1, NM_001407665.1 and 19 more transcripts); c.1614C>G, p.Phe538Leu (NM_001407649.1, NM_001407670.1, NM_001407671.1 and 11 more transcripts); c.1662C>G, p.Phe554Leu (NM_001407653.1, NM_001407654.1, NM_001407655.1 and 4 more transcripts); c.1659C>G, p.Phe553Leu (NM_001407659.1, NM_001407660.1, NM_001407661.1 and 1 more transcripts); and 40 more; short protein forms F492L, F533L, F539L, F579L, F580L, F512L, F532L, F538L.
Identifiers: ClinVar variation 2865540 (VCV002865540.3), dbSNP rs1057520244, ClinGen allele CA10598549.